The following is an entry in ClinVar:

ClinVar aggregate classification (germline): Uncertain significance (1 of 4 stars; one submission).

Conditions:
KIF5B-related developmental disorder.

gnomAD v4.1: 1 of 1,583,974 alleles (0.000063%); highest among the groups gnomAD compares: Non-Finnish European, 0.000087%; no homozygotes.

Submission:

3billion
Classification: Uncertain significance for KIF5B-related developmental disorder. Last evaluated: 2023-07-14. Review status: criteria provided, single submitter. Criteria: ACMG Guidelines, 2015. Collection method: clinical testing. Allele origin: germline. Affected: yes.
Comment: The variant is not observed in the gnomAD v2.1.1 dataset. Predicted Consequence/Location: Missense changes are a common disease-causing mechanism. In silico tool predictions suggest damaging effect of the variant on gene or gene product (REVEL: 0.92; 3Cnet: 0.84). Therefore, this variant is classified as VUS according to the recommendation of ACMG/AMP guideline.

NM_004521.3(KIF5B):c.280A>G (p.Thr94Ala)

Gene: KIF5B (kinesin family member 5B; minus strand). Cytogenetic location: 10p11.22.
Variant type: single nucleotide variant.
Coding change: c.280A>G on transcript NM_004521.3 (MANE Select); coding-DNA position 280, A replaced by G.
Protein change: p.Thr94Ala; replaces threonine 94 with alanine.
Molecular consequence: missense variant.
Genome position (GRCh38, 1-based): chr10:32,040,392, T>C on the plus strand (A>G on the coding strand, the complement: KIF5B is on the minus strand). VCF-style: chr10-32040392-T-C. GRCh37 (hg19) VCF-style: chr10-32329320-T-C.
Other names: short protein forms T94A.
Identifiers: ClinVar variation 3775338 (VCV003775338.1).